The following is an entry in ClinVar:

ClinVar aggregate classification (germline): Uncertain significance. Review status: criteria provided, multiple submitters, no conflicts (2 of 4 stars). 2 submissions from 2 submitters: Uncertain significance (2). Last evaluated 2024-10-25.

Conditions:
Inborn genetic diseases. Identifiers: MedGen C0950123, MeSH D030342.

Submissions (2):

Labcorp Genetics (formerly Invitae), Labcorp
Classification: Uncertain significance. Last evaluated: 2024-10-25. Review status: criteria provided, single submitter. Criteria: Invitae Variant Classification Sherloc (09022015). Collection method: clinical testing. Allele origin: germline.
Comment: This sequence change replaces arginine, which is basic and polar, with tryptophan, which is neutral and slightly polar, at codon 277 of the WNT5A protein (p.Arg277Trp). The frequency data for this variant in the population databases is considered unreliable, as metrics indicate poor data quality at this position in the gnomAD database. This variant has not been reported in the literature in individuals affected with WNT5A-related conditions. Invitae Evidence Modeling of protein sequence and biophysical properties (such as structural, functional, and spatial information, amino acid conservation, physicochemical variation, residue mobility, and thermodynamic stability) has been performed for this missense variant. However, the output from this modeling did not meet the statistical confidence thresholds required to predict the impact of this variant on WNT5A protein function. In summary, the available evidence is currently insufficient to determine the role of this variant in disease. Therefore, it has been classified as a Variant of Uncertain Significance.

Ambry Genetics
Classification: Uncertain significance for Inborn genetic diseases. Last evaluated: 2024-03-30. Review status: criteria provided, single submitter. Criteria: Ambry Variant Classification Scheme 2023. Collection method: clinical testing. Allele origin: germline.

NM_003392.7(WNT5A):c.829C>T (p.Arg277Trp)

Gene: WNT5A (Wnt family member 5A; minus strand). Cytogenetic location: 3p14.3.
Variant type: single nucleotide variant.
Coding change: c.829C>T on transcript NM_003392.7 (MANE Select); coding-DNA position 829, C replaced by T.
Protein change: p.Arg277Trp; replaces arginine 277 with tryptophan.
Molecular consequence: missense variant.
Genome position (GRCh38, 1-based): chr3:55,470,406, G>A on the plus strand (C>T on the coding strand, the complement: WNT5A is on the minus strand). VCF-style: chr3-55470406-G-A. GRCh37 (hg19) VCF-style: chr3-55504434-G-A.
Other names: c.784C>T, p.Arg262Trp (NM_001256105.1, NM_001377271.1, NM_001377272.1); short protein forms R262W, R277W.
Identifiers: ClinVar variation 3333224 (VCV003333224.3).